The following is an entry in ClinVar:

NM_004947.5(DOCK3):c.4788G>A (p.Gly1596=)

Gene: DOCK3 (dedicator of cytokinesis 3; plus strand). Cytogenetic location: 3p21.2.
Variant type: single nucleotide variant.
Coding change: c.4788G>A on transcript NM_004947.5 (MANE Select); coding-DNA position 4788, G replaced by A.
Protein change: p.Gly1596=; no amino-acid change (glycine 1596 retained).
Molecular consequence: synonymous variant.
Genome position (GRCh38, 1-based): chr3:51,357,981, G>A. VCF-style: chr3-51357981-G-A. GRCh37 (hg19) VCF-style: chr3-51395412-G-A.
Identifiers: ClinVar variation 3058434 (VCV003058434.22), dbSNP rs775055751, ClinGen allele CA2421847.

ClinVar aggregate classification (germline): Likely benign. Review status: criteria provided, single submitter (1 of 4 stars). 2 submissions from 2 submitters: Likely benign (1). 1 of the submissions does not count toward it. Last evaluated 2024-03-01.

Conditions:
DOCK3-related disorder. Also called: DOCK3-related condition.

Allele frequency attached by ClinVar (database versions not stated): ExAC 0.00006; TOPMed 0.00008; gnomAD 0.00009; gnomAD exomes 0.00009.
gnomAD v4.1: 151 of 1,614,006 alleles (0.0094%); highest among the groups gnomAD compares: Middle Eastern, 0.31%; 1 homozygote.

Submissions (2):

CeGaT Center for Human Genetics Tuebingen
Classification: Likely benign. Last evaluated: 2024-03-01. Review status: criteria provided, single submitter. Criteria: CeGaT Center For Human Genetics Tuebingen Variant Classification Criteria Version 2. Collection method: clinical testing. Allele origin: germline. Affected: yes. Observed: 1 variant allele.
Comment: DOCK3: BP4, BP7

PreventionGenetics, part of Exact Sciences
Classification: Likely benign for DOCK3-related condition. Last evaluated: 2019-03-19. Review status: no assertion criteria provided. Collection method: clinical testing. Allele origin: germline. Not counted in ClinVar's aggregate classification.
Comment: This variant is classified as likely benign based on ACMG/AMP sequence variant interpretation guidelines (Richards et al. 2015 PMID: 25741868, with internal and published modifications).